The following is an entry in ClinVar:

NM_001145358.2(SIN3A):c.705C>T (p.Ala235=)

Gene: SIN3A (SIN3 transcription regulator family member A; minus strand). Cytogenetic location: 15q24.2.
Variant type: single nucleotide variant.
Coding change: c.705C>T on transcript NM_001145358.2 (MANE Select); coding-DNA position 705, C replaced by T.
Protein change: p.Ala235=; no amino-acid change (alanine 235 retained).
Molecular consequence: synonymous variant.
Genome position (GRCh38, 1-based): chr15:75,412,814, G>A on the plus strand (C>T on the coding strand, the complement: SIN3A is on the minus strand). VCF-style: chr15-75412814-G-A. GRCh37 (hg19) VCF-style: chr15-75705155-G-A.
Other names: c.705C>T, p.Ala235= (NM_001145357.2, NM_015477.3).
Identifiers: ClinVar variation 2645563 (VCV002645563.24), dbSNP rs2073666125, ClinGen allele CA491495091.
Genomic context (GRCh38, chr15:75,412,814, plus strand): 5'-AGTGCTCACCTTGCTGACTTTGGCAGGTGGGGGCTGAGGAGCTGGCTGGGCAGGAGCTGG[G>A]GCTGACTGGGCTGAAGGCTGGGAAGGATGTTGGGGTGGTGGTTGAGGCTGTGGCTGGATG-3'
Protein context (NP_001138830.1, residues 225-245): QHPSQPSAQS[Ala235=]PAPAQPAPQP

ClinVar aggregate classification (germline): Likely benign (1 of 4 stars; one submission).

Allele frequency attached by ClinVar (database versions not stated): gnomAD exomes below 0.00001; gnomAD 0.00001.
gnomAD v4.1: 2 of 1,609,046 alleles (0.00012%); highest among the groups gnomAD compares: South Asian, 0.0022%; no homozygotes.

Submission:

CeGaT Center for Human Genetics Tuebingen
Classification: Likely benign. Last evaluated: 2023-10-01. Review status: criteria provided, single submitter. Criteria: CeGaT Center For Human Genetics Tuebingen Variant Classification Criteria Version 2. Collection method: clinical testing. Allele origin: germline. Affected: yes. Observed: 1 variant allele.
Comment: SIN3A: BP4, BP7